The following is an entry in ClinVar:

ClinVar aggregate classification (germline): Uncertain significance (1 of 4 stars; one submission).

Conditions:
Immunodeficiency 25. Also called: Immunodeficiency due to defect in cd3-zeta, somatic. Identifiers: MedGen C1857798, MONDO:0012426, OMIM 610163.

Submission:

Labcorp Genetics (formerly Invitae), Labcorp
Classification: Uncertain significance for Immunodeficiency 25. Last evaluated: 2022-03-20. Review status: criteria provided, single submitter. Criteria: Invitae Variant Classification Sherloc (09022015). Collection method: clinical testing. Allele origin: germline.
Comment: This variant has not been reported in the literature in individuals affected with CD247-related conditions. Algorithms developed to predict the effect of sequence changes on RNA splicing suggest that this variant may disrupt the consensus splice site. In summary, the available evidence is currently insufficient to determine the role of this variant in disease. Therefore, it has been classified as a Variant of Uncertain Significance. This variant is not present in population databases (gnomAD no frequency). This sequence change falls in intron 7 of the CD247 gene. It does not directly change the encoded amino acid sequence of the CD247 protein.

NM_198053.3(CD247):c.430-6C>A

Gene: CD247 (CD247 molecule; minus strand). Cytogenetic location: 1q24.2.
Variant type: single nucleotide variant.
Coding change: c.430-6C>A on transcript NM_198053.3 (MANE Select); 6 bases into the intron before coding-DNA position 430, C replaced by A.
Molecular consequence: intron variant.
Genome position (GRCh38, 1-based): chr1:167,431,752, G>T on the plus strand (C>A on the coding strand, the complement: CD247 is on the minus strand). VCF-style: chr1-167431752-G-T. GRCh37 (hg19) VCF-style: chr1-167400989-G-T.
Other names: c.427-6C>A (NM_000734.4); c.520-6C>A (NM_001378516.1); c.523-6C>A (NM_001378515.1).
Identifiers: ClinVar variation 2115357 (VCV002115357.4), dbSNP rs200103990, ClinGen allele CA2580061356.